The following is an entry in ClinVar:

ClinVar aggregate classification (germline): Benign/Likely benign. Review status: criteria provided, multiple submitters, no conflicts (2 of 4 stars). 6 submissions from 6 submitters: Benign (5); Likely benign (1). Last evaluated 2026-02-04.

Conditions:
Hypohidrotic ectodermal dysplasia (HED). Identifiers: Orphanet 238468, MedGen C5848103, MONDO:0016535, HP:0007607.
Autosomal recessive hypohidrotic ectodermal dysplasia syndrome. Also called: Autosomal recessive hypohidrotic ectodermal dysplasia. Identifiers: Orphanet 248, MedGen C0406702, MONDO:0016619.
Ectodermal dysplasia 10A, hypohidrotic/hair/nail type, autosomal dominant (ECTD10A). Also called: Ectodermal Dysplasia 3, Anhidrotic. Identifiers: Orphanet 1810, Orphanet 238468, MedGen C3888065, MONDO:0007509, OMIM 129490.

Allele frequency attached by ClinVar (database versions not stated): gnomAD exomes 0.05896 and 0.05786; TOPMed 0.07670; 1000 Genomes Project 0.09145; gnomAD 0.07467 and 0.07354; 1000 Genomes Project 30x 0.09260; ExAC 0.06120; ESP Exome Variant Server 0.08265.
gnomAD v4.1: 97,683 of 1,613,166 alleles (6.1%); highest among the groups gnomAD compares: African/African-American, 14%; 3,762 homozygotes.

Submissions (8):

Labcorp Genetics (formerly Invitae), Labcorp
Classification: Benign for Ectodermal dysplasia 10A, hypohidrotic/hair/nail type, autosomal dominant; Autosomal recessive hypohidrotic ectodermal dysplasia syndrome. Last evaluated: 2026-02-04. Review status: criteria provided, single submitter. Criteria: Invitae Variant Classification Sherloc (09022015). Collection method: clinical testing. Allele origin: germline.

Illumina Laboratory Services, Illumina
Classification: Benign for Hypohidrotic ectodermal dysplasia. Last evaluated: 2018-01-13. Review status: criteria provided, single submitter. Criteria: ICSL Variant Classification Criteria 13 December 2019. Collection method: clinical testing. Allele origin: germline.
Comment: This variant was observed in the ICSL laboratory as part of a predisposition screen in an ostensibly healthy population. It had not been previously curated by ICSL or reported in the Human Gene Mutation Database (HGMD: prior to June 1st, 2018), and was therefore a candidate for classification through an automated scoring system. Utilizing variant allele frequency, disease prevalence and penetrance estimates, and inheritance mode, an automated score was calculated to assess if this variant is too frequent to cause the disease. Based on the score and internal cut-off values, a variant classified as benign is not then subjected to further curation. The score for this variant resulted in a classification of benign for this disease.

GeneDx
Classification: Benign. Last evaluated: 2015-03-03. Review status: criteria provided, single submitter. Criteria: GeneDx Variant Classification Process June 2021. Collection method: clinical testing. Allele origin: germline. Affected: yes.

Laboratory for Molecular Medicine, Mass General Brigham Personalized Medicine
Classification: Benign. Last evaluated: 2014-01-13. Review status: criteria provided, single submitter. Criteria: LMM Criteria. Collection method: clinical testing. Allele origin: germline. Observed: 1 variant allele.
Comment: This variant is not expected to have clinical significance because it has been s een in 5.4% (469/8600) of European American chromosomes and 13.7% (606/4460) of African American chromosomes by the NHLBI Exome Sequencing Project (s.; dbSNP rs748225)

Breakthrough Genomics
Classification: Likely benign. Review status: criteria provided, single submitter. Criteria: ACMG Guidelines, 2015. Collection method: not provided. Allele origin: germline. Inheritance: Autosomal recessive inheritance. Affected: yes.

PreventionGenetics, part of Exact Sciences
Classification: Benign. Review status: criteria provided, single submitter. Criteria: ACMG Guidelines, 2015. Collection method: clinical testing. Allele origin: germline.

Dr. Peter K. Rogan Lab, Western University
No classification provided (evidence only). Condition: Colorectal cancer. Review status: no classification provided. Collection method: in vitro. Allele origin: not applicable. Functional consequence: skipped exon. Not counted in ClinVar's aggregate classification.

Dr. Peter K. Rogan Lab, Western University
No classification provided (evidence only). Condition: Thymoma. Review status: no classification provided. Collection method: in vitro. Allele origin: not applicable. Functional consequence: retained intron. Not counted in ClinVar's aggregate classification.

NM_022336.4(EDAR):c.357-4G>A

Genes: EDAR (ectodysplasin A receptor; minus strand), RANBP2 (RAN binding protein 2; plus strand). Cytogenetic location: 2q13.
Variant type: single nucleotide variant.
Coding change: c.357-4G>A on transcript NM_022336.4 (MANE Select); 4 bases into the intron before coding-DNA position 357, G replaced by A.
Molecular consequence: intron variant.
Genome position (GRCh38, 1-based): chr2:108,923,457, C>T on the plus strand (G>A on the coding strand, the complement: EDAR is on the minus strand). VCF-style: chr2-108923457-C-T. GRCh37 (hg19) VCF-style: chr2-109539913-C-T.
Identifiers: ClinVar variation 179358 (VCV000179358.22), dbSNP rs748225, ClinGen allele CA184264.